The following is an entry in ClinVar:

NM_001288705.3(CSF1R):c.1541T>A (p.Leu514His)

Gene: CSF1R (colony stimulating factor 1 receptor; minus strand). Cytogenetic location: 5q32.
Variant type: single nucleotide variant.
Coding change: c.1541T>A on transcript NM_001288705.3 (MANE Select); coding-DNA position 1541, T replaced by A.
Protein change: p.Leu514His; replaces leucine 514 with histidine.
Molecular consequence: missense variant. On other transcripts: non-coding transcript variant (2).
Genome position (GRCh38, 1-based): chr5:150,068,300, A>T on the plus strand (T>A on the coding strand, the complement: CSF1R is on the minus strand). VCF-style: chr5-150068300-A-T. GRCh37 (hg19) VCF-style: chr5-149447863-A-T.
Other names: c.1541T>A, p.Leu514His (NM_001349736.2, NM_001375320.1, NM_005211.4); c.1097T>A, p.Leu366His (NM_001375321.1); short protein forms L366H, L514H.
Identifiers: ClinVar variation 1357236 (VCV001357236.7), dbSNP rs370585355, ClinGen allele CA3506788.

ClinVar aggregate classification (germline): Uncertain significance. Review status: criteria provided, multiple submitters, no conflicts (2 of 4 stars). 2 submissions from 2 submitters: Uncertain significance (2). Last evaluated 2023-01-24.

Allele frequency attached by ClinVar (database versions not stated): gnomAD exomes below 0.00001; ExAC 0.00001; gnomAD 0.00001; TOPMed 0.00002; ESP Exome Variant Server 0.00008.
gnomAD v4.1: 4 of 1,612,934 alleles (0.00025%); highest among the groups gnomAD compares: African/African-American, 0.0053%; no homozygotes.

Submissions (2):

Blueprint Genetics
Classification: Uncertain significance. Last evaluated: 2023-01-24. Review status: criteria provided, single submitter. Criteria: ACMG Guidelines, 2015. Collection method: clinical testing. Allele origin: germline.

Labcorp Genetics (formerly Invitae), Labcorp
Classification: Uncertain significance. Last evaluated: 2021-09-14. Review status: criteria provided, single submitter. Criteria: Invitae Variant Classification Sherloc (09022015). Collection method: clinical testing. Allele origin: germline.
Comment: This sequence change replaces leucine with histidine at codon 514 of the CSF1R protein (p.Leu514His). The leucine residue is highly conserved and there is a moderate physicochemical difference between leucine and histidine. This variant is present in population databases (rs370585355, ExAC 0.01%). This variant has not been reported in the literature in individuals affected with CSF1R-related conditions. Advanced modeling of protein sequence and biophysical properties (such as structural, functional, and spatial information, amino acid conservation, physicochemical variation, residue mobility, and thermodynamic stability) performed at Invitae indicates that this missense variant is not expected to disrupt CSF1R protein function. In summary, the available evidence is currently insufficient to determine the role of this variant in disease. Therefore, it has been classified as a Variant of Uncertain Significance.